The following is an entry in ClinVar:

NM_001148.6(ANK2):c.2375C>A (p.Ala792Glu)

Gene: ANK2 (ankyrin 2; plus strand). Cytogenetic location: 4q26.
Variant type: single nucleotide variant.
Coding change: c.2375C>A on transcript NM_001148.6 (MANE Select); coding-DNA position 2375, C replaced by A.
Protein change: p.Ala792Glu; replaces alanine 792 with glutamic acid.
Molecular consequence: missense variant.
Genome position (GRCh38, 1-based): chr4:113,292,513, C>A. VCF-style: chr4-113292513-C-A. GRCh37 (hg19) VCF-style: chr4-114213669-C-A.
Other names: c.2312C>A, p.Ala771Glu (NM_001127493.3, NM_001354239.2, NM_001354243.2 and 10 more transcripts); c.2375C>A, p.Ala792Glu (NM_001354225.2, NM_001354228.2, NM_001354232.2 and 6 more transcripts); c.2420C>A, p.Ala807Glu (NM_001354230.2, NM_001354231.2, NM_001354237.2 and 5 more transcripts); c.2276C>A, p.Ala759Glu (NM_001354245.2, NM_001354268.2); c.2288C>A, p.Ala763Glu (NM_001354249.2, NM_001354264.2, NM_001354266.2 and 10 more transcripts); c.2213C>A, p.Ala738Glu (NM_001354253.2, NM_001354257.2, NM_001354270.2 and 1 more transcripts); c.2189C>A, p.Ala730Glu (NM_001354260.2, NM_001354271.2, NM_001386151.1); c.2333C>A, p.Ala778Glu (NM_001354261.2, NM_001386147.1, NM_001386160.1); and 8 more; short protein forms A726E, A759E, A792E, A664E, A722E, A763E, A771E, A780E.
Identifiers: ClinVar variation 1790347 (VCV001790347.2), dbSNP rs749222485, ClinGen allele CA3050528.

ClinVar aggregate classification (germline): Uncertain significance (1 of 4 stars; one submission).

Conditions:
Cardiovascular phenotype. Identifiers: MedGen CN230736.

Allele frequency attached by ClinVar (database versions not stated): ExAC 0.00001; gnomAD exomes 0.00001.
gnomAD v4.1: 8 of 1,605,930 alleles (0.0005%); highest among the groups gnomAD compares: South Asian, 0.0078%; no homozygotes.

Submission:

Ambry Genetics
Classification: Uncertain significance for Cardiovascular phenotype. Last evaluated: 2022-10-09. Review status: criteria provided, single submitter. Criteria: Ambry Variant Classification Scheme 2023. Collection method: clinical testing. Allele origin: germline.
Comment: The p.A792E variant (also known as c.2375C>A), located in coding exon 21 of the ANK2 gene, results from a C to A substitution at nucleotide position 2375. The alanine at codon 792 is replaced by glutamic acid, an amino acid with dissimilar properties. This amino acid position is conserved. In addition, this alteration is predicted to be tolerated by in silico analysis. Since supporting evidence is limited at this time, the clinical significance of this alteration remains unclear.